The following is an entry in ClinVar:

NM_000264.5(PTCH1):c.386G>A (p.Trp129Ter)

Gene: PTCH1 (patched 1; minus strand). Cytogenetic location: 9q22.32.
Variant type: single nucleotide variant.
Coding change: c.386G>A on transcript NM_000264.5 (MANE Select); coding-DNA position 386, G replaced by A.
Protein change: p.Trp129Ter; replaces tryptophan 129 with a stop codon.
Molecular consequence: nonsense. On other transcripts: 5 prime UTR variant (4), non-coding transcript variant (1).
Genome position (GRCh38, 1-based): chr9:95,506,415, C>T on the plus strand (G>A on the coding strand, the complement: PTCH1 is on the minus strand). VCF-style: chr9-95506415-C-T. GRCh37 (hg19) VCF-style: chr9-98268697-C-T.
Other names: c.188G>A, p.Trp63Ter (NM_001083602.3, NM_001354919.2); c.383G>A, p.Trp128Ter (NM_001083603.3); c.-68G>A (NM_001083604.3, NM_001083605.3, NM_001083606.3 and 1 more transcripts); c.386G>A, p.Trp129Ter (NM_001354918.2); c.386G>A (NM_000264.3); short protein forms W128*, W63*, W129*.
Identifiers: ClinVar variation 1452335 (VCV001452335.10), dbSNP rs2118873472, ClinGen allele CA374120148.
Genomic context (GRCh38, chr9:95,506,415, plus strand): 5'-CCGCGAGGAGGGACCGGGCCGGGGGCGCGGGCGCCGCGGCGGGCGCTCTTACCTTCCACC[C>T]ACAGCTCCTCCACGTTGGTCTCGAGGTTCGCTGCTTTTAATCCCACCGCGAAGGCCCCAA-3'

ClinVar aggregate classification (germline): Pathogenic. Review status: criteria provided, multiple submitters, no conflicts (2 of 4 stars). 3 submissions from 3 submitters: Pathogenic (3). Last evaluated 2024-06-27.

Conditions:
Gorlin syndrome. Also called: Nevoid Basal Cell Carcinoma Syndrome; Basal cell nevus syndrome. Identifiers: Orphanet 377, MedGen C0004779, MONDO:0007187.
Hereditary cancer-predisposing syndrome. Also called: Neoplastic Syndromes, Hereditary; Hereditary Cancer Syndrome; Hereditary neoplastic syndrome; Tumor predisposition. Identifiers: Orphanet 140162, MedGen C0027672, MeSH D009386, MONDO:0015356.

Submissions (3):

Dasa
Classification: Pathogenic. Last evaluated: 2024-06-27. Review status: criteria provided, single submitter. Criteria: DASA Assertion Criteria. Collection method: clinical testing. Allele origin: germline.
Comment: NM_000264.5(PTCH1):c.386G>A (p.Trp129*) introduces a premature termination codon predicted to result in loss of normal protein function. Loss-of-function is an established mechanism of disease for this gene. Based on the available data, this variant is classified as pathogenic.

Ambry Genetics
Classification: Pathogenic for Hereditary cancer-predisposing syndrome. Last evaluated: 2023-09-21. Review status: criteria provided, single submitter. Criteria: Ambry Variant Classification Scheme 2023. Collection method: clinical testing. Allele origin: germline.
Comment: The p.W129* variant (also known as c.386G>A), located in coding exon 2 of the PTCH1 gene, results from a G to A substitution at nucleotide position 386. This changes the amino acid from a tryptophan to a stop codon within coding exon 2. This alteration has been observed in at least one individual with a personal and/or family history that is consistent with nevoid basal cell-carcinoma (NBCCS) (Ambry internal data). Additionally, variants that result in this same premature protein truncation (p.W129*) have been reported in individuals with NBCCS (Soufir N et al. Br J Cancer, 2006 Aug;95:548-53; Suzuki M et al. J Hum Genet, 2012 Jul;57:422-6; Shimada Y et al. PLoS One, 2013 Aug;8:e70995; Guo YY et al. PLoS One, 2013 Oct;8:e77305). This variant is considered to be rare based on population cohorts in the Genome Aggregation Database (gnomAD). In addition to the clinical data presented in the literature, this alteration is expected to result in loss of function by premature protein truncation or nonsense-mediated mRNA decay. As such, this alteration is interpreted as a disease-causing mutation.

Labcorp Genetics (formerly Invitae), Labcorp
Classification: Pathogenic for Gorlin syndrome. Last evaluated: 2022-03-02. Review status: criteria provided, single submitter. Criteria: Invitae Variant Classification Sherloc (09022015). Collection method: clinical testing. Allele origin: germline.
Comment: This premature translational stop signal has been observed in individual(s) with nevoid basal cell carcinoma syndrome (NBCCS) (PMID: 16909134). This sequence change creates a premature translational stop signal (p.Trp129*) in the PTCH1 gene. It is expected to result in an absent or disrupted protein product. Loss-of-function variants in PTCH1 are known to be pathogenic (PMID: 16301862, 16419085). This variant is not present in population databases (gnomAD no frequency). For these reasons, this variant has been classified as Pathogenic.

Literature cited by the submitters: PubMed 16909134 (cited by Ambry Genetics and Labcorp Genetics (formerly Invitae), Labcorp); PubMed 22572734 (cited by Ambry Genetics); PubMed 23951062 (cited by Ambry Genetics); PubMed 24204797 (cited by Ambry Genetics); PubMed 16301862 (cited by Labcorp Genetics (formerly Invitae), Labcorp); PubMed 16419085 (cited by Labcorp Genetics (formerly Invitae), Labcorp).